The following is an entry in ClinVar:

NM_000370.3(TTPA):c.652dup (p.Ile218fs)

Gene: TTPA (alpha tocopherol transfer protein; minus strand). Cytogenetic location: 8q12.3.
Variant type: Duplication.
Coding change: c.652dup on transcript NM_000370.3 (MANE Select); coding-DNA position 652, one base duplicated (A; older notation c.652dupA).
Protein change: p.Ile218fs; shifts the reading frame from isoleucine 218.
Molecular consequence: frameshift variant.
Genome position (GRCh38, 1-based): chr8:63,064,217, T duplicated on the plus strand (A on the coding strand, the reverse complement: TTPA is on the minus strand); the first of 6 consecutive T bases (chr8:63,064,217-63,064,222); duplicating any one gives the same sequence. VCF-style (leftmost placement, unchanged base first): chr8-63064216-A-AT. GRCh37 (hg19) VCF-style: chr8-63976775-A-AT.
Other names: short protein forms I218fs.
Identifiers: ClinVar variation 1371154 (VCV001371154.7), dbSNP rs1805352418, ClinGen allele CA1788934589.

ClinVar aggregate classification (germline): Pathogenic/Likely pathogenic. Review status: criteria provided, multiple submitters, no conflicts (2 of 4 stars). 2 submissions from 2 submitters: Pathogenic (1); Likely pathogenic (1). Last evaluated 2024-03-07.

Conditions:
Familial isolated deficiency of vitamin E (AVED). Also called: Ataxia with isolated vitamin E deficiency; ATAXIA, FRIEDREICH-LIKE, WITH SELECTIVE VITAMIN E DEFICIENCY. Identifiers: Orphanet 96, MedGen C1848533, MONDO:0010188, OMIM 277460.

Submissions (2):

Fulgent Genetics
Classification: Likely pathogenic for Familial isolated deficiency of vitamin E. Last evaluated: 2024-03-07. Review status: criteria provided, single submitter. Criteria: ACMG Guidelines, 2015. Collection method: clinical testing. Allele origin: germline.

Labcorp Genetics (formerly Invitae), Labcorp
Classification: Pathogenic. Last evaluated: 2021-08-16. Review status: criteria provided, single submitter. Criteria: Invitae Variant Classification Sherloc (09022015). Collection method: clinical testing. Allele origin: germline.
Comment: This sequence change creates a premature translational stop signal (p.Ile218Asnfs*2) in the TTPA gene. While this is not anticipated to result in nonsense mediated decay, it is expected to disrupt the last 61 amino acid(s) of the TTPA protein. This variant is not present in population databases (ExAC no frequency). This variant has not been reported in the literature in individuals affected with TTPA-related conditions. This variant disrupts a region of the TTPA protein in which other variant(s) (p.Leu243Trpfs*21) have been determined to be pathogenic (Invitae). This suggests that this is a clinically significant region of the protein, and that variants that disrupt it are likely to be disease-causing. For these reasons, this variant has been classified as Pathogenic.